The following is an entry in ClinVar:

NM_006206.6(PDGFRA):c.749C>G (p.Pro250Arg)

Gene: PDGFRA (platelet derived growth factor receptor alpha; plus strand). Cytogenetic location: 4q12.
Variant type: single nucleotide variant.
Coding change: c.749C>G on transcript NM_006206.6 (MANE Select); coding-DNA position 749, C replaced by G.
Protein change: p.Pro250Arg; replaces proline 250 with arginine.
Molecular consequence: missense variant.
Genome position (GRCh38, 1-based): chr4:54,265,039, C>G. VCF-style: chr4-54265039-C-G. GRCh37 (hg19) VCF-style: chr4-55131206-C-G.
Other names: c.749C>G, p.Pro250Arg (NM_001347827.2, NM_001347829.2); c.824C>G, p.Pro275Arg (NM_001347828.2); c.788C>G, p.Pro263Arg (NM_001347830.2); short protein forms P250R, P263R, P275R.
Identifiers: ClinVar variation 4530351 (VCV004530351.1).

ClinVar aggregate classification (somatic clinical impact): Tier II - Potential (1 of 4 stars; one submission).

Conditions:
Diffuse midline glioma, H3 K27M-mutant. Identifiers: MedGen C4289688, MONDO:0957196.

Submission:

Institute for Genomic Medicine (IGM) Clinical Laboratory, Nationwide Children's Hospital
Classification: Tier II - Potential for Diffuse midline glioma, H3 K27M-mutant. Assertion type: diagnostic. Clinical significance: supports diagnosis. Last evaluated: 2025-01-09. Review status: criteria provided, single submitter. Criteria: AMP/ASCO/CAP Guidelines, 2017. Collection method: clinical testing. Allele origin: somatic. Affected: yes.
Comment: Variant has Tier II (potential) clinical significance as a diagnostic inclusion criterion in diffuse midline glioma, H3 K27M-mutant, based on the following evidence: 1) Appears in one or more well-established professional guidelines (e.g., World Health Organization [WHO]; National Comprehensive Cancer Network [NCCN]) as providing diagnostic, prognostic, or therapeutic information. 2) Diagnostic significance based on multiple small studies (Evidence Level C; PMIDs: 24705251, 25230881, 27582545, 28966033, 29763623).

Literature cited by the submitters: PubMed 24705251; PubMed 25230881; PubMed 27582545; PubMed 28966033; PubMed 29763623.